The following is an entry in ClinVar:

NM_004006.3(DMD):c.195A>C (p.Glu65Asp)

Gene: DMD (dystrophin; minus strand). Cytogenetic location: Xp21.1.
Variant type: single nucleotide variant.
Coding change: c.195A>C on transcript NM_004006.3 (MANE Select); coding-DNA position 195, A replaced by C.
Protein change: p.Glu65Asp; replaces glutamic acid 65 with aspartic acid.
Molecular consequence: missense variant. On other transcripts: 5 prime UTR variant (1).
Genome position (GRCh38, 1-based): chrX:32,844,852, T>G on the plus strand (A>C on the coding strand, the complement: DMD is on the minus strand). VCF-style: chrX-32844852-T-G. GRCh37 (hg19) VCF-style: chrX-32862969-T-G.
Other names: c.171A>C, p.Glu57Asp (NM_000109.4); c.183A>C, p.Glu61Asp (NM_004009.3); c.-175A>C (NM_004010.3); short protein forms E57D, E61D, E65D.
Identifiers: ClinVar variation 3615429 (VCV003615429.2).

ClinVar aggregate classification (germline): Uncertain significance (1 of 4 stars; one submission).

Conditions:
Duchenne muscular dystrophy (DMD). Also called: MUSCULAR DYSTROPHY, PSEUDOHYPERTROPHIC PROGRESSIVE, DUCHENNE TYPE; Duchenne Muscular Dystrophy (DMD). Identifiers: Orphanet 98896, MedGen C0013264, MONDO:0010679, OMIM 310200.

gnomAD v4.1: 2 of 1,208,423 alleles (0.00017%); highest among the groups gnomAD compares: African/African-American, 0.0035%; no homozygotes.

Submission:

Labcorp Genetics (formerly Invitae), Labcorp
Classification: Uncertain significance for Duchenne muscular dystrophy. Last evaluated: 2024-04-05. Review status: criteria provided, single submitter. Criteria: Invitae Variant Classification Sherloc (09022015). Collection method: clinical testing. Allele origin: germline.
Comment: This sequence change replaces glutamic acid, which is acidic and polar, with aspartic acid, which is acidic and polar, at codon 65 of the DMD protein (p.Glu65Asp). This variant is present in population databases (no rsID available, gnomAD 0.001%). This variant has not been reported in the literature in individuals affected with DMD-related conditions. Advanced modeling of protein sequence and biophysical properties (such as structural, functional, and spatial information, amino acid conservation, physicochemical variation, residue mobility, and thermodynamic stability) performed at Invitae indicates that this missense variant is not expected to disrupt DMD protein function with a negative predictive value of 95%. In summary, the available evidence is currently insufficient to determine the role of this variant in disease. Therefore, it has been classified as a Variant of Uncertain Significance.